The following is an entry in ClinVar:

NM_182916.3(TRNT1):c.342+20G>C

Gene: TRNT1 (tRNA nucleotidyl transferase 1; plus strand). Cytogenetic location: 3p26.2.
Variant type: single nucleotide variant.
Coding change: c.342+20G>C on transcript NM_182916.3 (MANE Select); 20 bases into the intron after coding-DNA position 342, G replaced by C.
Molecular consequence: intron variant.
Genome position (GRCh38, 1-based): chr3:3,137,473, G>C. VCF-style: chr3-3137473-G-C. GRCh37 (hg19) VCF-style: chr3-3179157-G-C.
Other names: c.342+20G>C (NM_001367321.1, NM_001367323.1, NM_001367322.1 and 1 more transcripts).
Identifiers: ClinVar variation 1955663 (VCV001955663.5), dbSNP rs2126017737, ClinGen allele CA2580069146.
Genomic context (GRCh38, chr3:3,137,473, plus strand): 5'-TAAACAACAGAGGAGAAAAGCACGGAACAATTACTGCCAGGGTGAGTCAAAAGTTTGACA[G>C]GTAATTACATTGCTTTTTTGGTAATTTTTAAAAACTTAATTTTCTCTAGTTAAAAGCAAA-3'

ClinVar aggregate classification (germline): Uncertain significance (1 of 4 stars; one submission).

Conditions:
Congenital sideroblastic anemia-B-cell immunodeficiency-periodic fever-developmental delay syndrome. Also called: Sideroblastic anemia with B-cell immunodeficiency, periodic fevers, and developmental delay. Identifiers: Orphanet 369861, MedGen C4015172, MONDO:0014487, OMIM 616084.

Submission:

Labcorp Genetics (formerly Invitae), Labcorp
Classification: Uncertain significance for Congenital sideroblastic anemia-B-cell immunodeficiency-periodic fever-developmental delay syndrome. Last evaluated: 2022-07-19. Review status: criteria provided, single submitter. Criteria: Invitae Variant Classification Sherloc (09022015). Collection method: clinical testing. Allele origin: germline.
Comment: In summary, the available evidence is currently insufficient to determine the role of this variant in disease. Therefore, it has been classified as a Variant of Uncertain Significance. Algorithms developed to predict the effect of sequence changes on RNA splicing suggest that this variant may disrupt the consensus splice site. This variant has not been reported in the literature in individuals affected with TRNT1-related conditions. This variant is not present in population databases (gnomAD no frequency). This sequence change falls in intron 3 of the TRNT1 gene. It does not directly change the encoded amino acid sequence of the TRNT1 protein.